The following is an entry in ClinVar:

NM_003073.5(SMARCB1):c.20G>T (p.Ser7Ile)

Gene: SMARCB1 (SWI/SNF related BAF chromatin remodeling complex subunit B1; plus strand). Cytogenetic location: 22q11.23.
Variant type: single nucleotide variant.
Coding change: c.20G>T on transcript NM_003073.5 (MANE Select); coding-DNA position 20, G replaced by T.
Protein change: p.Ser7Ile; replaces serine 7 with isoleucine.
Molecular consequence: missense variant.
Genome position (GRCh38, 1-based): chr22:23,787,189, G>T. VCF-style: chr22-23787189-G-T. GRCh37 (hg19) VCF-style: chr22-24129376-G-T.
Other names: c.20G>T, p.Ser7Ile (NM_001007468.3, NM_001317946.2, NM_001362877.2); short protein forms S7I.
Identifiers: ClinVar variation 1785888 (VCV001785888.3), dbSNP rs1928042033, ClinGen allele CA410930501.

ClinVar aggregate classification (germline): Uncertain significance (1 of 4 stars; one submission).

Conditions:
Hereditary cancer-predisposing syndrome. Also called: Neoplastic Syndromes, Hereditary; Tumor predisposition; Hereditary Cancer Syndrome; Hereditary neoplastic syndrome. Identifiers: Orphanet 140162, MedGen C0027672, MeSH D009386, MONDO:0015356.

Submission:

Ambry Genetics
Classification: Uncertain significance for Hereditary cancer-predisposing syndrome. Last evaluated: 2025-01-29. Review status: criteria provided, single submitter. Criteria: Ambry Variant Classification Scheme 2023. Collection method: clinical testing. Allele origin: germline.
Comment: The p.S7I variant (also known as c.20G>T), located in coding exon 1 of the SMARCB1 gene, results from a G to T substitution at nucleotide position 20. The serine at codon 7 is replaced by isoleucine, an amino acid with dissimilar properties. This amino acid position is highly conserved in available vertebrate species. In addition, the in silico prediction for this alteration is inconclusive. Based on the available evidence, the clinical significance of this variant remains unclear.